The following is an entry in ClinVar:

ClinVar aggregate classification (germline): Conflicting classifications of pathogenicity. Review status: criteria provided, conflicting classifications (1 of 4 stars). 7 submissions from 7 submitters: Uncertain significance (5); Benign (1); Likely benign (1). Last evaluated 2025-12-23.

Conditions:
Cardiovascular phenotype. Identifiers: MedGen CN230736.
Hereditary cancer-predisposing syndrome. Also called: Hereditary neoplastic syndrome; Neoplastic Syndromes, Hereditary; Tumor predisposition; Hereditary Cancer Syndrome. Identifiers: Orphanet 140162, MedGen C0027672, MeSH D009386, MONDO:0015356.
Neurofibromatosis-Noonan syndrome (NFNS). Also called: NEUROFIBROMATOSIS WITH NOONAN PHENOTYPE. Identifiers: Orphanet 638, MedGen C2931482, MONDO:0011035, OMIM 601321. Disease mechanism: loss of function.
Neurofibromatosis, type 1 (NF1). Also called: VON RECKLINGHAUSEN DISEASE; Peripheral type neurofibromatosis; NEUROFIBROMATOSIS, TYPE I, SOMATIC; Neurofibromatosis, type I. Identifiers: Orphanet 636, MedGen C0027831, MONDO:0018975, OMIM 162200. Disease mechanism: loss of function.
Juvenile myelomonocytic leukemia (JMML). Also called: LEUKEMIA, JUVENILE MYELOMONOCYTIC, SOMATIC. Identifiers: Orphanet 86834, MedGen C0349639, MONDO:0011908, OMIM 607785, HP:0012209.
Neurofibromatosis, familial spinal (FSNF). Identifiers: Orphanet 636, MedGen C1834235, MONDO:0008078, OMIM 162210. Disease mechanism: loss of function.
Café-au-lait macules with pulmonary stenosis (WTSN). Also called: PULMONIC STENOSIS WITH CAFE-AU-LAIT SPOTS. Identifiers: MedGen C0553586, MONDO:0008672, OMIM 193520.

Allele frequency attached by ClinVar (database versions not stated): gnomAD exomes below 0.00001; ExAC 0.00001; TOPMed 0.00001.
gnomAD v4.1: 4 of 1,613,710 alleles (0.00025%); highest among the groups gnomAD compares: Non-Finnish European, 0.00025%; no homozygotes.

Submissions (7):

Labcorp Genetics (formerly Invitae), Labcorp
Classification: Benign for Neurofibromatosis, type 1. Last evaluated: 2025-12-23. Review status: criteria provided, single submitter. Criteria: Invitae Variant Classification Sherloc (09022015). Collection method: clinical testing. Allele origin: germline.

Quest Diagnostics Nichols Institute San Juan Capistrano
Classification: Uncertain significance. Last evaluated: 2025-10-20. Review status: criteria provided, single submitter. Criteria: Quest Diagnostics criteria. Collection method: clinical testing. Allele origin: unknown.

Fulgent Genetics
Classification: Uncertain significance for Neurofibromatosis, type 1; Neurofibromatosis, familial spinal; Café-au-lait macules with pulmonary stenosis; Neurofibromatosis-Noonan syndrome; Juvenile myelomonocytic leukemia. Last evaluated: 2024-06-18. Review status: criteria provided, single submitter. Criteria: ACMG Guidelines, 2015. Collection method: clinical testing. Allele origin: germline.

GeneDx
Classification: Uncertain significance. Last evaluated: 2024-03-14. Review status: criteria provided, single submitter. Criteria: GeneDx Variant Classification Process June 2021. Collection method: clinical testing. Allele origin: germline. Affected: yes.
Comment: Not observed at significant frequency in large population cohorts (gnomAD); In silico analysis supports that this missense variant does not alter protein structure/function; Has not been previously published as pathogenic or benign to our knowledge; This variant is associated with the following publications: (PMID: 25486365)

Ambry Genetics
Classification: Likely benign for Cardiovascular phenotype; Hereditary cancer-predisposing syndrome. Last evaluated: 2023-03-07. Review status: criteria provided, single submitter. Criteria: Ambry Variant Classification Scheme 2023. Collection method: clinical testing. Allele origin: germline.

Genome-Nilou Lab
Classification: Uncertain significance for Neurofibromatosis, type 1. Last evaluated: 2022-03-15. Review status: criteria provided, single submitter. Criteria: ACMG Guidelines, 2015. Collection method: clinical testing. Allele origin: germline. Affected: no.

Women's Health and Genetics/Laboratory Corporation of America, LabCorp
Classification: Uncertain significance. Last evaluated: 2021-08-15. Review status: criteria provided, single submitter. Criteria: LabCorp Variant Classification Summary - May 2015. Collection method: clinical testing. Allele origin: germline.
Comment: Variant summary: NF1 c.1910G>C (p.Ser637Thr) results in a conservative amino acid change in the encoded protein sequence. Five of five in-silico tools predict a benign effect of the variant on protein function. The variant was absent in 251248 control chromosomes. The available data on variant occurrences in the general population are insufficient to allow any conclusion about variant significance. To our knowledge, no occurrence of c.1910G>C in individuals affected with Neurofibromatosis Type 1 and no experimental evidence demonstrating its impact on protein function have been reported. Two clinical diagnostic laboratories have submitted clinical-significance assessments for this variant to ClinVar after 2014 without evidence for independent evaluation. All laboratories classified the variant as uncertain significance. Based on the evidence outlined above, the variant was classified as uncertain significance.

Literature cited by the submitters: PubMed 10678181 (cited by Women's Health and Genetics/Laboratory Corporation of America, LabCorp); PubMed 23460398 (cited by Women's Health and Genetics/Laboratory Corporation of America, LabCorp); PubMed 29872168 (cited by Women's Health and Genetics/Laboratory Corporation of America, LabCorp); PubMed 27069254 (cited by Women's Health and Genetics/Laboratory Corporation of America, LabCorp).

NM_001042492.3(NF1):c.1910G>C (p.Ser637Thr)

Gene: NF1 (neurofibromin 1; plus strand). Cytogenetic location: 17q11.2.
Variant type: single nucleotide variant.
Coding change: c.1910G>C on transcript NM_001042492.3 (MANE Select); coding-DNA position 1910, G replaced by C.
Protein change: p.Ser637Thr; replaces serine 637 with threonine.
Molecular consequence: missense variant.
Genome position (GRCh38, 1-based): chr17:31,225,159, G>C. VCF-style: chr17-31225159-G-C. GRCh37 (hg19) VCF-style: chr17-29552177-G-C.
Other names: c.1910G>C, p.Ser637Thr (NM_000267.4); short protein forms S637T.
Identifiers: ClinVar variation 480138 (VCV000480138.22), dbSNP rs749745247, ClinGen allele CA8485882.